The following is an entry in ClinVar:

NM_015909.4(NBAS):c.6194T>C (p.Leu2065Pro)

Gene: NBAS (NBAS subunit of NRZ tethering complex; minus strand). Cytogenetic location: 2p24.3.
Variant type: single nucleotide variant.
Coding change: c.6194T>C on transcript NM_015909.4 (MANE Select); coding-DNA position 6194, T replaced by C.
Protein change: p.Leu2065Pro; replaces leucine 2065 with proline.
Molecular consequence: missense variant. On other transcripts: non-coding transcript variant (1).
Genome position (GRCh38, 1-based): chr2:15,232,464, A>G on the plus strand (T>C on the coding strand, the complement: NBAS is on the minus strand). VCF-style: chr2-15232464-A-G. GRCh37 (hg19) VCF-style: chr2-15372588-A-G.
Other names: short protein forms L2065P.
Identifiers: ClinVar variation 4688051 (VCV004688051.1).

ClinVar aggregate classification (germline): Likely pathogenic. Review status: criteria provided, single submitter (1 of 4 stars). 2 submissions from 1 submitter: Likely pathogenic (2). Last evaluated 2025-12-03.

Conditions:
Optic neuropathy. Also called: Optic nerve disorder. Identifiers: MedGen C3887709, MONDO:0002135, HP:0001138.
Retinal disorder. Also called: Retinopathy; Retinopathies; Retinal Diseases; Retinal disorders. Identifiers: MedGen C0035309, MONDO:0005283, HP:0000488.

Submissions (2):

Genetics Laboratory, Great Ormond Street Hospital NHS Foundation Trust, North Thames Genomic Laboratory Hub
Classification: Likely pathogenic for Retinal disorders. Last evaluated: 2025-12-03. Review status: criteria provided, single submitter. Criteria: ACGS Best Practice Guidelines for Variant Classification in Rare Disease 2024 v1.2. Collection method: clinical testing. Allele origin: germline. Affected: yes.
Comment: PM2_moderate, PM3_moderate, PP4_moderate

Genetics Laboratory, Great Ormond Street Hospital NHS Foundation Trust, North Thames Genomic Laboratory Hub
Classification: Likely pathogenic for Optic neuropathy. Last evaluated: 2025-12-02. Review status: criteria provided, single submitter. Criteria: ACGS Best Practice Guidelines for Variant Classification in Rare Disease 2024 v1.2. Collection method: clinical testing. Allele origin: germline. Affected: yes.
Comment: the same text as in the submission from Genetics Laboratory, Great Ormond Street Hospital NHS Foundation Trust, North Thames Genomic Laboratory Hub above.